The following is an entry in ClinVar:

NM_001845.6(COL4A1):c.2163A>T (p.Leu721Phe)

Gene: COL4A1 (collagen type IV alpha 1 chain; minus strand). Cytogenetic location: 13q34.
Variant type: single nucleotide variant.
Coding change: c.2163A>T on transcript NM_001845.6 (MANE Select); coding-DNA position 2163, A replaced by T.
Protein change: p.Leu721Phe; replaces leucine 721 with phenylalanine.
Molecular consequence: missense variant.
Genome position (GRCh38, 1-based): chr13:110,181,322, T>A on the plus strand (A>T on the coding strand, the complement: COL4A1 is on the minus strand). VCF-style: chr13-110181322-T-A. GRCh37 (hg19) VCF-style: chr13-110833669-T-A.
Other names: short protein forms L721F.
Identifiers: ClinVar variation 2045869 (VCV002045869.4), dbSNP rs950819624, ClinGen allele CA256260933.

ClinVar aggregate classification (germline): Uncertain significance (1 of 4 stars; one submission).

Allele frequency attached by ClinVar (database versions not stated): TOPMed 0.00001.

Submission:

Labcorp Genetics (formerly Invitae), Labcorp
Classification: Uncertain significance. Last evaluated: 2022-08-19. Review status: criteria provided, single submitter. Criteria: Invitae Variant Classification Sherloc (09022015). Collection method: clinical testing. Allele origin: germline.
Comment: Advanced modeling of protein sequence and biophysical properties (such as structural, functional, and spatial information, amino acid conservation, physicochemical variation, residue mobility, and thermodynamic stability) performed at Invitae indicates that this missense variant is not expected to disrupt COL4A1 protein function. This sequence change replaces leucine, which is neutral and non-polar, with phenylalanine, which is neutral and non-polar, at codon 721 of the COL4A1 protein (p.Leu721Phe). This variant is not present in population databases (gnomAD no frequency). This variant has not been reported in the literature in individuals affected with COL4A1-related conditions. In summary, the available evidence is currently insufficient to determine the role of this variant in disease. Therefore, it has been classified as a Variant of Uncertain Significance.